The following is an entry in ClinVar:

NM_001164508.2(NEB):c.12555del (p.Ala4184_Trp4185insTer)

Gene: NEB (nebulin; minus strand). Cytogenetic location: 2q23.3.
Variant type: Deletion.
Coding change: c.12555del on transcript NM_001164508.2 (MANE Select); coding-DNA position 12555, one base deleted (G; older notation c.12555delG).
Protein change: p.Ala4184_Trp4185insTer.
Molecular consequence: nonsense. On other transcripts: intron variant (1).
Genome position (GRCh38, 1-based): chr2:151,607,588, C deleted on the plus strand (G on the coding strand, the reverse complement: NEB is on the minus strand); the first of 2 consecutive C bases (chr2:151,607,588-151,607,589); deleting either gives the same sequence. VCF-style (leftmost placement, unchanged base first): chr2-151607587-TC-T. GRCh37 (hg19) VCF-style: chr2-152464101-TC-T.
Other names: c.12555del, p.Ala4184_Trp4185insTer (NM_001164507.2, NM_001271208.2); c.11601+2221del (NM_004543.5).
Identifiers: ClinVar variation 835568 (VCV000835568.9), dbSNP rs2097759896, ClinGen allele CA916080290.

ClinVar aggregate classification (germline): Pathogenic (1 of 4 stars; one submission).

Conditions:
Nemaline myopathy 2 (NEM2). Also called: Nemaline myopathy 2, autosomal recessive. Identifiers: MedGen C1850569, MONDO:0009725, OMIM 256030.

Submission:

Labcorp Genetics (formerly Invitae), Labcorp
Classification: Pathogenic for Nemaline myopathy 2. Last evaluated: 2019-03-26. Review status: criteria provided, single submitter. Criteria: Invitae Variant Classification Sherloc (09022015). Collection method: clinical testing. Allele origin: germline.
Comment: This sequence change creates a premature translational stop signal (p.Trp4185*) in the NEB gene. It is expected to result in an absent or disrupted protein product. This variant has not been reported in the literature in individuals with NEB-related conditions. Loss-of-function variants in NEB are known to be pathogenic (PMID: 25205138). For these reasons, this variant has been classified as Pathogenic. This variant occurs in a region of NEB (Exons 82-105) consisting of three highly homologous 8-exon repeat units (exons 82-89, exons 90-97, exons 98-105). Sequence variants in this region can be detected, but this assay cannot determine which of the three repeat units is affected, and zygosity is often ambiguous. All variants in this region are reported relative to the exon 82-89 repeat.

Literature cited by the submitters: PubMed 25205138.